The following is an entry in ClinVar:

NM_001110556.2(FLNA):c.503C>T (p.Pro168Leu)

Gene: FLNA (filamin A; minus strand). Cytogenetic location: Xq28.
Variant type: single nucleotide variant.
Coding change: c.503C>T on transcript NM_001110556.2 (MANE Select); coding-DNA position 503, C replaced by T.
Protein change: p.Pro168Leu; replaces proline 168 with leucine.
Molecular consequence: missense variant.
Genome position (GRCh38, 1-based): chrX:154,367,961, G>A on the plus strand (C>T on the coding strand, the complement: FLNA is on the minus strand). VCF-style: chrX-154367961-G-A. GRCh37 (hg19) VCF-style: chrX-153596329-G-A.
Other names: c.503C>T, p.Pro168Leu (NM_001456.4); short protein forms P168L.
Identifiers: ClinVar variation 1304251 (VCV001304251.2), dbSNP rs2148119409, ClinGen allele CA415249858.
Genomic context (GRCh38, chrX:154,367,961, plus strand): 5'-AAGTTGGTGATGGGCAGCTGCGGCAGCTTGTTCTGGATCCAGCCCAGGAGCCTCTGCTTG[G>A]GGGTCTGCTTCTTGGCCTCCTCATCCTCCTCCTCGTCCCACATGGGCATGGAGATGGAGT-3'
Protein context (NP_001104026.1, residues 158-178): EEDEEAKKQT[Pro168Leu]KQRLLGWIQN

ClinVar aggregate classification (germline): Uncertain significance (1 of 4 stars; one submission).

Submission:

GeneDx
Classification: Uncertain significance. Last evaluated: 2019-06-10. Review status: criteria provided, single submitter. Criteria: GeneDx Variant Classification Process June 2021. Collection method: clinical testing. Allele origin: germline. Affected: yes.
Comment: Not observed in large population cohorts (Lek et al., 2016); In silico analysis, which includes protein predictors and evolutionary conservation, supports a deleterious effect; Has not been previously published as pathogenic or benign to our knowledge